The following is an entry in ClinVar:

NM_001165963.4(SCN1A):c.4921G>A (p.Ala1641Thr)

Genes: SCN1A (sodium voltage-gated channel alpha subunit 1; minus strand), LOC102724058 (uncharacterized LOC102724058; plus strand). Cytogenetic location: 2q24.3.
Variant type: single nucleotide variant.
Coding change: c.4921G>A on transcript NM_001165963.4 (MANE Select); coding-DNA position 4921, G replaced by A.
Protein change: p.Ala1641Thr; replaces alanine 1641 with threonine.
Molecular consequence: missense variant. On other transcripts: non-coding transcript variant (1).
Genome position (GRCh38, 1-based): chr2:165,992,354, C>T on the plus strand (G>A on the coding strand, the complement: SCN1A is on the minus strand). VCF-style: chr2-165992354-C-T. GRCh37 (hg19) VCF-style: chr2-166848864-C-T.
Other names: c.4837G>A, p.Ala1613Thr (NM_001165964.3, NM_001353957.2, NM_001353958.2); c.4921G>A, p.Ala1641Thr (NM_001202435.3, NM_001353948.2); c.4888G>A, p.Ala1630Thr (NM_001353949.2, NM_001353950.2, NM_001353951.2 and 2 more transcripts); c.4885G>A, p.Ala1629Thr (NM_001353954.2, NM_001353955.2); c.4834G>A, p.Ala1612Thr (NM_001353960.2); c.2479G>A, p.Ala827Thr (NM_001353961.2); short protein forms A827T, A1630T, A1612T, A1641T, A1613T, A1629T.
Identifiers: ClinVar variation 1452510 (VCV001452510.7), dbSNP rs2105434822, ClinGen allele CA349070228.

ClinVar aggregate classification (germline): Pathogenic (1 of 4 stars; one submission).

Conditions:
Early-infantile DEE. Also called: Early infantile epileptic encephalopathy; Ohtahara syndrome; Early infantile epileptic encephalopathy with suppression bursts. Identifiers: Orphanet 1934, MedGen C0393706, MONDO:0800491.

Submission:

Labcorp Genetics (formerly Invitae), Labcorp
Classification: Pathogenic for Early-infantile DEE. Last evaluated: 2021-11-25. Review status: criteria provided, single submitter. Criteria: Invitae Variant Classification Sherloc (09022015). Collection method: clinical testing. Allele origin: germline.
Comment: This sequence change replaces alanine, which is neutral and non-polar, with threonine, which is neutral and polar, at codon 1641 of the SCN1A protein (p.Ala1641Thr). This variant is not present in population databases (gnomAD no frequency). This missense change has been observed in individual(s) with Dravet syndrome (PMID: 29142202). In at least one individual the variant was observed to be de novo. Advanced modeling of protein sequence and biophysical properties (such as structural, functional, and spatial information, amino acid conservation, physicochemical variation, residue mobility, and thermodynamic stability) performed at Invitae indicates that this missense variant is expected to disrupt SCN1A protein function. For these reasons, this variant has been classified as Pathogenic.

Literature cited by the submitters: PubMed 29142202.